The following is an entry in ClinVar:

ClinVar aggregate classification (germline): Uncertain significance (1 of 4 stars; one submission).

Conditions:
Ethylmalonic encephalopathy (EE). Also called: EPEMA syndrome; Encephalopathy, petechiae, and ethylmalonic aciduria; Syndrome of encephalopathy, petechiae, and ethylmalonic aciduria. Identifiers: Orphanet 51188, MedGen C1865349, MONDO:0011229, OMIM 602473. Disease mechanism: loss of function.

Submission:

Labcorp Genetics (formerly Invitae), Labcorp
Classification: Uncertain significance for Ethylmalonic encephalopathy. Last evaluated: 2023-09-09. Review status: criteria provided, single submitter. Criteria: Invitae Variant Classification Sherloc (09022015). Collection method: clinical testing. Allele origin: germline.
Comment: Advanced modeling of protein sequence and biophysical properties (such as structural, functional, and spatial information, amino acid conservation, physicochemical variation, residue mobility, and thermodynamic stability) performed at Invitae indicates that this missense variant is expected to disrupt ETHE1 protein function. In summary, the available evidence is currently insufficient to determine the role of this variant in disease. Therefore, it has been classified as a Variant of Uncertain Significance. This variant has not been reported in the literature in individuals affected with ETHE1-related conditions. This sequence change replaces leucine, which is neutral and non-polar, with arginine, which is basic and polar, at codon 215 of the ETHE1 protein (p.Leu215Arg). This variant is not present in population databases (gnomAD no frequency).

NM_014297.5(ETHE1):c.644T>G (p.Leu215Arg)

Gene: ETHE1 (ETHE1 persulfide dioxygenase; minus strand). Cytogenetic location: 19q13.31.
Variant type: single nucleotide variant.
Coding change: c.644T>G on transcript NM_014297.5 (MANE Select); coding-DNA position 644, T replaced by G.
Protein change: p.Leu215Arg; replaces leucine 215 with arginine.
Molecular consequence: missense variant.
Genome position (GRCh38, 1-based): chr19:43,508,012, A>C on the plus strand (T>G on the coding strand, the complement: ETHE1 is on the minus strand). VCF-style: chr19-43508012-A-C. GRCh37 (hg19) VCF-style: chr19-44012164-A-C.
Other names: c.611T>G, p.Leu204Arg (NM_001320867.2); c.275T>G, p.Leu92Arg (NM_001320868.2); c.350T>G, p.Leu117Arg (NM_001320869.2); short protein forms L117R, L215R, L204R, L92R.
Identifiers: ClinVar variation 2756882 (VCV002756882.3), dbSNP rs2513603905, ClinGen allele CA406174979.
Genomic context (GRCh38, chr19:43,508,012, plus strand): 5'-TGAGGTTTAGGCAAGTTCAGGTTGCCCATGATTTTGACAAACTCCTCACAGCTGAGGGTG[A>C]GCCGAGGGTTCAGAGTCCTCTCCTCCTCCACGGTGGACACTGTGAACCCTAGGGGCCAAG-3'
Protein context (NP_055112.2, residues 205-225): VEEERTLNPR[Leu215Arg]TLSCEEFVKI